The following is an entry in ClinVar:

NM_144997.7(FLCN):c.718TCGCTGACA[1] (p.241LTS[1])

Gene: FLCN (folliculin; minus strand). Cytogenetic location: 17p11.2.
Variant type: Microsatellite.
Coding change: c.718TCGCTGACA[1] on transcript NM_144997.7 (MANE Select); one copy of the 9-base unit TCGCTGACA starting at c.718; the reference has two copies in a row; one copy, 9 bases deleted; also written c.727_735del.
Protein change: p.241LTS[1].
Molecular consequence: inframe deletion.
Genome position (GRCh38, 1-based): chr17:17,222,545-17,222,553, TGTCAGCGA deleted on the plus strand (TCGCTGACA on the coding strand, the reverse complement: FLCN is on the minus strand); deleting any 9 consecutive bases within chr17:17,222,545-17,222,562 gives the same sequence; the position shown is the placement nearest the transcript's 3' end. VCF-style (leftmost placement, unchanged base first): chr17-17222544-TTGTCAGCGA-T. GRCh37 (hg19) VCF-style: chr17-17125858-TTGTCAGCGA-T.
Other names: c.727_735del (NM_144997.5, NM_144997.7); c.772TCGCTGACA[1], p.259LTS[1] (NM_001353229.2); c.718TCGCTGACA[1], p.241LTS[1] (NM_001353230.2, NM_001353231.2, NM_144606.7).
Identifiers: ClinVar variation 529984 (VCV000529984.10), dbSNP rs1209487287, ClinGen allele CA625314083.

ClinVar aggregate classification (germline): Uncertain significance. Review status: criteria provided, multiple submitters, no conflicts (2 of 4 stars). 3 submissions from 3 submitters: Uncertain significance (3). Last evaluated 2025-10-03.

Conditions:
Birt-Hogg-Dube syndrome. Also called: Birt Hogg Dubé syndrome. Identifiers: Orphanet 122, MedGen C0346010, MONDO:0800444.
17p11.2 microduplication syndrome (PTLS). Also called: CHROMOSOME 17p11.2 DUPLICATION SYNDROME; Potocki-Lupski syndrome; Duplication 17p11.2 syndrome; Potocki-Lupski syndrome (dup(17)(p11.2p11.2)). Identifiers: Orphanet 1713, MedGen C2931246, MONDO:0012574, OMIM 610883.
Familial spontaneous pneumothorax (PSP). Identifiers: Orphanet 2903, MedGen C1868193, MONDO:0008259, OMIM 173600.
Colorectal cancer. Also called: Colorectal cancer, somatic; Malignant Colorectal Neoplasm. Identifiers: MedGen C0346629, MONDO:0005575, OMIM 114500.
Nonpapillary renal cell carcinoma. Identifiers: Orphanet 422526, MedGen CN074294, MONDO:0007763, OMIM 144700.
Hereditary cancer-predisposing syndrome. Also called: Neoplastic Syndromes, Hereditary; Hereditary neoplastic syndrome; Tumor predisposition; Hereditary Cancer Syndrome. Identifiers: Orphanet 140162, MedGen C0027672, MeSH D009386, MONDO:0015356.

Submissions (3):

Ambry Genetics
Classification: Uncertain significance for Hereditary cancer-predisposing syndrome. Last evaluated: 2025-10-03. Review status: criteria provided, single submitter. Criteria: Ambry Variant Classification Scheme 2023. Collection method: clinical testing. Allele origin: germline.
Comment: The c.727_735delTCGCTGACA variant (also known as p.L244_S246del) is located in coding exon 4 of the FLCN gene. This variant results from an in-frame TCGCTGACA deletion at nucleotide positions 727 to 735. This results in the in-frame deletion of three residues at codons 244 to 246. This amino acid region is well conserved in available vertebrate species. In addition, this variant is predicted to be deleterious by in silico analysis (Choi Y et al. PLoS ONE. 2012; 7(10):e46688). Based on the available evidence, the clinical significance of this variant remains unclear.

Labcorp Genetics (formerly Invitae), Labcorp
Classification: Uncertain significance for Birt-Hogg-Dube syndrome. Last evaluated: 2025-05-13. Review status: criteria provided, single submitter. Criteria: Invitae Variant Classification Sherloc (09022015). Collection method: clinical testing. Allele origin: germline.
Comment: This variant, c.727_735del, results in the deletion of 3 amino acid(s) of the FLCN protein (p.Leu244_Ser246del), but otherwise preserves the integrity of the reading frame. This variant is present in population databases (no rsID available, gnomAD 0.0009%). This variant has not been reported in the literature in individuals affected with FLCN-related conditions. ClinVar contains an entry for this variant (Variation ID: 529984). Experimental studies and prediction algorithms are not available or were not evaluated, and the functional significance of this variant is currently unknown. In summary, the available evidence is currently insufficient to determine the role of this variant in disease. Therefore, it has been classified as a Variant of Uncertain Significance.

Fulgent Genetics
Classification: Uncertain significance for Colorectal cancer; Birt-Hogg-Dube syndrome 1; Nonpapillary renal cell carcinoma; Familial spontaneous pneumothorax; 17p11.2 microduplication syndrome. Last evaluated: 2021-07-11. Review status: criteria provided, single submitter. Criteria: ACMG Guidelines, 2015. Collection method: clinical testing. Allele origin: unknown.